The following is an entry in ClinVar:

ClinVar aggregate classification (germline): Uncertain significance (1 of 4 stars; one submission).

Submission:

GeneDx
Classification: Uncertain significance. Last evaluated: 2019-05-10. Review status: criteria provided, single submitter. Criteria: GeneDx Variant Classification Process June 2021. Collection method: clinical testing. Allele origin: germline. Affected: yes.
Comment: Has not been previously published as pathogenic or benign to our knowledge; Not observed in large population cohorts (Lek et al., 2016); In silico analysis, which includes protein predictors and evolutionary conservation, supports that this variant does not alter protein structure/function

NM_144573.4(NEXN):c.582A>T (p.Lys194Asn)

Gene: NEXN (nexilin F-actin binding protein; plus strand). Cytogenetic location: 1p31.1.
Variant type: single nucleotide variant.
Coding change: c.582A>T on transcript NM_144573.4 (MANE Select); coding-DNA position 582, A replaced by T.
Protein change: p.Lys194Asn; replaces lysine 194 with asparagine.
Molecular consequence: missense variant.
Genome position (GRCh38, 1-based): chr1:77,926,506, A>T. VCF-style: chr1-77926506-A-T. GRCh37 (hg19) VCF-style: chr1-78392191-A-T.
Other names: c.390A>T, p.Lys130Asn (NM_001172309.2); short protein forms K130N, K194N.
Identifiers: ClinVar variation 1305699 (VCV001305699.2), dbSNP rs2102123630, ClinGen allele CA340872623.